The following is an entry in ClinVar:

NM_022489.4(INF2):c.1451G>A (p.Cys484Tyr)

Gene: INF2 (inverted formin 2; plus strand). Cytogenetic location: 14q32.33.
Variant type: single nucleotide variant.
Coding change: c.1451G>A on transcript NM_022489.4 (MANE Select); coding-DNA position 1451, G replaced by A.
Protein change: p.Cys484Tyr; replaces cysteine 484 with tyrosine.
Molecular consequence: missense variant.
Genome position (GRCh38, 1-based): chr14:104,707,718, G>A. VCF-style: chr14-104707718-G-A. GRCh37 (hg19) VCF-style: chr14-105174055-G-A.
Other names: p.Cys484Tyr; c.1451G>A, p.Cys484Tyr (NM_001031714.4); short protein forms C484Y.
Identifiers: ClinVar variation 312688 (VCV000312688.61), dbSNP rs201323100, ClinGen allele CA7372572.

ClinVar aggregate classification (germline): Benign/Likely benign. Review status: criteria provided, multiple submitters, no conflicts (2 of 4 stars). 12 submissions from 12 submitters: Benign (6); Likely benign (4). 2 of the submissions do not count toward it. Last evaluated 2026-04-01.

Conditions:
Inborn genetic diseases. Identifiers: MedGen C0950123, MeSH D030342.
Charcot-Marie-Tooth disease dominant intermediate E. Also called: CHARCOT-MARIE-TOOTH NEUROPATHY WITH FOCAL SEGMENTAL GLOMERULONEPHRITIS. Identifiers: Orphanet 93114, MedGen C4302667, MONDO:0013758, OMIM 614455.
Focal segmental glomerulosclerosis 5 (FSGS5). Identifiers: Orphanet 656, MedGen C2750475, MONDO:0013191, OMIM 613237.

Allele frequency attached by ClinVar (database versions not stated): 1000 Genomes Project 0.00080; ExAC 0.00183; gnomAD exomes 0.00403; TOPMed 0.00446; gnomAD 0.00456 and 0.00470.
gnomAD v4.1: 6,262 of 1,239,684 alleles (0.51%); highest among the groups gnomAD compares: Non-Finnish European, 0.61%; 25 homozygotes.

Submissions (12):

CeGaT Center for Human Genetics Tuebingen
Classification: Likely benign. Last evaluated: 2026-04-01. Review status: criteria provided, single submitter. Criteria: CeGaT Center For Human Genetics Tuebingen Variant Classification Criteria Version 2. Collection method: clinical testing. Allele origin: germline. Affected: yes. Observed: 21 variant alleles.
Comment: INF2: BS2

Labcorp Genetics (formerly Invitae), Labcorp
Classification: Benign for Charcot-Marie-Tooth disease dominant intermediate E; Focal segmental glomerulosclerosis 5. Last evaluated: 2026-01-28. Review status: criteria provided, single submitter. Criteria: Invitae Variant Classification Sherloc (09022015). Collection method: clinical testing. Allele origin: germline.

ARUP Laboratories, Molecular Genetics and Genomics, ARUP Laboratories
Classification: Benign. Last evaluated: 2025-04-21. Review status: criteria provided, single submitter. Criteria: ARUP Molecular Germline Variant Investigation Process 2024. Collection method: clinical testing. Allele origin: germline.

Blueprint Genetics
Classification: Likely benign. Last evaluated: 2024-11-25. Review status: criteria provided, single submitter. Criteria: ACMG Guidelines, 2015. Collection method: clinical testing. Allele origin: germline.

Mayo Clinic Laboratories, Mayo Clinic
Classification: Benign. Last evaluated: 2023-09-20. Review status: criteria provided, single submitter. Criteria: ACMG Guidelines, 2015. Collection method: clinical testing. Allele origin: germline. Observed: 33 variant alleles.
Comment: BA1

Fulgent Genetics
Classification: Likely benign for Focal segmental glomerulosclerosis 5; Charcot-Marie-Tooth disease dominant intermediate E. Last evaluated: 2022-05-03. Review status: criteria provided, single submitter. Criteria: ACMG Guidelines, 2015. Collection method: clinical testing. Allele origin: unknown.

Ambry Genetics
Classification: Likely benign for Inborn genetic diseases. Last evaluated: 2019-09-12. Review status: criteria provided, single submitter. Criteria: Ambry Variant Classification Scheme 2023. Collection method: clinical testing. Allele origin: germline.

Illumina Laboratory Services, Illumina
Classification: Benign for Focal segmental glomerulosclerosis 5. Last evaluated: 2018-01-12. Review status: criteria provided, single submitter. Criteria: ICSL Variant Classification Criteria 13 December 2019. Collection method: clinical testing. Allele origin: germline.
Comment: This variant was observed in the ICSL laboratory as part of a predisposition screen in an ostensibly healthy population. It had not been previously curated by ICSL or reported in the Human Gene Mutation Database (HGMD: prior to June 1st, 2018), and was therefore a candidate for classification through an automated scoring system. Utilizing variant allele frequency, disease prevalence and penetrance estimates, and inheritance mode, an automated score was calculated to assess if this variant is too frequent to cause the disease. Based on the score and internal cut-off values, a variant classified as benign is not then subjected to further curation. The score for this variant resulted in a classification of benign for this disease.

GeneDx
Classification: Benign. Last evaluated: 2017-12-13. Review status: criteria provided, single submitter. Criteria: GeneDx Variant Classification (06012015). Collection method: clinical testing. Allele origin: germline. Affected: yes.
Comment: This variant is considered likely benign or benign based on one or more of the following criteria: it is a conservative change, it occurs at a poorly conserved position in the protein, it is predicted to be benign by multiple in silico algorithms, and/or has population frequency not consistent with disease.

Breakthrough Genomics
Classification: Benign. Review status: criteria provided, single submitter. Criteria: ACMG Guidelines, 2015. Collection method: not provided. Allele origin: germline. Inheritance: Autosomal dominant inheritance. Affected: yes.

Clinical Genetics DNA and cytogenetics Diagnostics Lab, Erasmus MC, Erasmus Medical Center
Classification: Likely benign. Review status: no assertion criteria provided. Collection method: clinical testing. Allele origin: germline. Affected: yes. Study: VKGL Data-share Consensus. Not counted in ClinVar's aggregate classification.

Clinical Genetics, Academic Medical Center
Classification: Benign. Review status: no assertion criteria provided. Collection method: clinical testing. Allele origin: germline. Affected: yes. Study: VKGL Data-share Consensus. Not counted in ClinVar's aggregate classification.